The following is an entry in ClinVar:

NM_001105206.3(LAMA4):c.720G>A (p.Val240=)

Gene: LAMA4 (laminin subunit alpha 4; minus strand). Cytogenetic location: 6q21.
Variant type: single nucleotide variant.
Coding change: c.720G>A on transcript NM_001105206.3 (MANE Select); coding-DNA position 720, G replaced by A.
Protein change: p.Val240=; no amino-acid change (valine 240 retained).
Molecular consequence: synonymous variant.
Genome position (GRCh38, 1-based): chr6:112,189,204, C>T on the plus strand (G>A on the coding strand, the complement: LAMA4 is on the minus strand). VCF-style: chr6-112189204-C-T. GRCh37 (hg19) VCF-style: chr6-112510406-C-T.
Other names: c.720G>A, p.Val240= (NM_001105207.3, NM_002290.5).
Identifiers: ClinVar variation 413763 (VCV000413763.17), dbSNP rs781915056, ClinGen allele CA3966061.

ClinVar aggregate classification (germline): Likely benign. Review status: criteria provided, multiple submitters, no conflicts (2 of 4 stars). 3 submissions from 3 submitters: Likely benign (3). Last evaluated 2026-03-01.

Conditions:
Cardiovascular phenotype. Identifiers: MedGen CN230736.
Dilated cardiomyopathy 1JJ (CMD1JJ). Identifiers: Orphanet 154, MedGen C3808935, MONDO:0014095, OMIM 615235.

Allele frequency attached by ClinVar (database versions not stated): gnomAD 0.00001 and 0.00002; gnomAD exomes 0.00001; ExAC 0.00002; TOPMed 0.00003.
gnomAD v4.1: 14 of 1,611,762 alleles (0.00087%); highest among the groups gnomAD compares: Non-Finnish European, 0.0012%; no homozygotes.

Submissions (3):

CeGaT Center for Human Genetics Tuebingen
Classification: Likely benign. Last evaluated: 2026-03-01. Review status: criteria provided, single submitter. Criteria: CeGaT Center For Human Genetics Tuebingen Variant Classification Criteria Version 2. Collection method: clinical testing. Allele origin: germline. Affected: yes. Observed: 1 variant allele.
Comment: LAMA4: BP4, BP7

Labcorp Genetics (formerly Invitae), Labcorp
Classification: Likely benign for Dilated cardiomyopathy 1JJ. Last evaluated: 2024-06-24. Review status: criteria provided, single submitter. Criteria: Invitae Variant Classification Sherloc (09022015). Collection method: clinical testing. Allele origin: germline.

Ambry Genetics
Classification: Likely benign for Cardiovascular phenotype. Last evaluated: 2019-10-26. Review status: criteria provided, single submitter. Criteria: Ambry Variant Classification Scheme 2023. Collection method: clinical testing. Allele origin: germline.